The following is an entry in ClinVar:

NM_001042492.3(NF1):c.5610-10T>G

Gene: NF1 (neurofibromin 1; plus strand). Cytogenetic location: 17q11.2.
Variant type: single nucleotide variant.
Coding change: c.5610-10T>G on transcript NM_001042492.3 (MANE Select); 10 bases into the intron before coding-DNA position 5610, T replaced by G.
Molecular consequence: intron variant.
Genome position (GRCh38, 1-based): chr17:31,330,286, T>G. VCF-style: chr17-31330286-T-G. GRCh37 (hg19) VCF-style: chr17-29657304-T-G.
Other names: c.5547-10T>G (NM_000267.4).
Identifiers: ClinVar variation 3724741 (VCV003724741.3).
Genomic context (GRCh38, chr17:31,330,286, plus strand): 5'-GTTATGAAAAAATTTTGGAACTATAAGGAAAAATACGTTTTAAAACAACTTCATTTGTGT[T>G]TTCTCCTAGGTCAGCTGCCTATAATCTTCTGTGTGCCTTAACTTGTACCTTTAATTTAAA-3'

ClinVar aggregate classification (germline): Uncertain significance. Review status: criteria provided, multiple submitters, no conflicts (2 of 4 stars). 2 submissions from 2 submitters: Uncertain significance (2). Last evaluated 2026-04-13.

Conditions:
Neurofibromatosis, type 1 (NF1). Also called: VON RECKLINGHAUSEN DISEASE; NEUROFIBROMATOSIS, TYPE I, SOMATIC; Peripheral type neurofibromatosis; Neurofibromatosis, type I. Identifiers: Orphanet 636, MedGen C0027831, MONDO:0018975, OMIM 162200. Disease mechanism: loss of function.

gnomAD v4.1: 1 of 1,613,570 alleles (0.000062%); highest among the groups gnomAD compares: Non-Finnish European, 0.000085%; no homozygotes.

Submissions (2):

GeneDx
Classification: Uncertain significance. Last evaluated: 2026-04-13. Review status: criteria provided, single submitter. Criteria: GeneDx Variant Classification Process June 2021. Collection method: clinical testing. Allele origin: germline.
Comment: Not observed at significant frequency in large population cohorts (gnomAD); In silico analysis is inconclusive as to whether the variant alters gene splicing. In the absence of RNA/functional studies, the actual effect of this sequence change is unknown.; Also known as c.5610-10T>G; This variant is associated with the following publications: (PMID: 40025372)

Labcorp Genetics (formerly Invitae), Labcorp
Classification: Uncertain significance for Neurofibromatosis, type 1. Last evaluated: 2024-11-06. Review status: criteria provided, single submitter. Criteria: Invitae Variant Classification Sherloc (09022015). Collection method: clinical testing. Allele origin: germline.
Comment: This sequence change falls in intron 37 of the NF1 gene. It does not directly change the encoded amino acid sequence of the NF1 protein. This variant is not present in population databases (gnomAD no frequency). This variant has not been reported in the literature in individuals affected with NF1-related conditions. Algorithms developed to predict the effect of sequence changes on RNA splicing suggest that this variant may disrupt the consensus splice site. In summary, the available evidence is currently insufficient to determine the role of this variant in disease. Therefore, it has been classified as a Variant of Uncertain Significance.